The following is an entry in ClinVar:

ClinVar aggregate classification (germline): Uncertain significance. Review status: criteria provided, multiple submitters, no conflicts (2 of 4 stars). 2 submissions from 2 submitters: Uncertain significance (2). Last evaluated 2025-11-16.

Conditions:
Cardiovascular phenotype. Identifiers: MedGen CN230736.

gnomAD v4.1: 5 of 1,613,694 alleles (0.00031%); highest among the groups gnomAD compares: South Asian, 0.0055%; no homozygotes.

Submissions (2):

Ambry Genetics
Classification: Uncertain significance for Cardiovascular phenotype. Last evaluated: 2025-11-16. Review status: criteria provided, single submitter. Criteria: Ambry Variant Classification Scheme 2023. Collection method: clinical testing. Allele origin: germline.
Comment: The p.R304L variant (also known as c.911G>T), located in coding exon 7 of the SOS1 gene, results from a G to T substitution at nucleotide position 911. The arginine at codon 304 is replaced by leucine, an amino acid with dissimilar properties. This amino acid position is conserved. In addition, this alteration is predicted to be deleterious by in silico analysis. Based on the available evidence, the clinical significance of this variant remains unclear.

GeneDx
Classification: Uncertain significance. Last evaluated: 2021-06-21. Review status: criteria provided, single submitter. Criteria: GeneDx Variant Classification Process June 2021. Collection method: clinical testing. Allele origin: germline. Affected: yes.
Comment: Missense variants in this gene are often considered pathogenic (Stenson et al., 2014); In silico analysis supports that this missense variant does not alter protein structure/function; Has not been previously published as pathogenic or benign to our knowledge; This variant is associated with the following publications: (PMID: 24077912, 27535533, 29493581)

NM_005633.4(SOS1):c.911G>T (p.Arg304Leu)

Gene: SOS1 (SOS Ras/Rac guanine nucleotide exchange factor 1; minus strand). Cytogenetic location: 2p22.1.
Variant type: single nucleotide variant.
Coding change: c.911G>T on transcript NM_005633.4 (MANE Select); coding-DNA position 911, G replaced by T.
Protein change: p.Arg304Leu; replaces arginine 304 with leucine.
Molecular consequence: missense variant.
Genome position (GRCh38, 1-based): chr2:39,035,454, C>A on the plus strand (G>T on the coding strand, the complement: SOS1 is on the minus strand). VCF-style: chr2-39035454-C-A. GRCh37 (hg19) VCF-style: chr2-39262595-C-A.
Other names: c.890G>T, p.Arg297Leu (NM_001382394.1); c.911G>T, p.Arg304Leu (NM_001382395.1); short protein forms R297L, R304L.
Identifiers: ClinVar variation 1329665 (VCV001329665.3), dbSNP rs886254041, ClinGen allele CA346367422.